The following is an entry in ClinVar:

ClinVar aggregate classification (germline): Benign/Likely benign. Review status: criteria provided, multiple submitters, no conflicts (2 of 4 stars). 21 submissions from 20 submitters: Benign (10); Likely benign (6). 5 of the submissions do not count toward it. Last evaluated 2026-02-04.

Conditions:
Gastric cancer. Also called: Stomach cancer; Malignant tumor of stomach. Identifiers: MedGen C0024623, MeSH D013274, MONDO:0001056, OMIM 613659, HP:0012126.
Familial adenomatous polyposis 2. Also called: COLORECTAL ADENOMATOUS POLYPOSIS, AUTOSOMAL RECESSIVE; ADENOMAS, MULTIPLE COLORECTAL, AUTOSOMAL RECESSIVE; FAP type 2; MUTYH-associated polyposis; MYH-associated polyposis; MUTYH-related attenuated familial adenomatous polyposis. Identifiers: Orphanet 220460, Orphanet 247798, MedGen C3272841, MONDO:0012041, OMIM 608456.
Hereditary cancer-predisposing syndrome. Also called: Hereditary Cancer Syndrome; Tumor predisposition; Neoplastic Syndromes, Hereditary; Hereditary neoplastic syndrome. Identifiers: Orphanet 140162, MedGen C0027672, MeSH D009386, MONDO:0015356.
Carcinoma of colon (CRC). Also called: Colonic carcinoma; Colon carcinoma. Identifiers: MedGen C0699790, MONDO:0002032.

Allele frequency attached by ClinVar (database versions not stated): 1000 Genomes Project 30x 0.00250; TOPMed 0.00284; gnomAD exomes 0.00346; ESP Exome Variant Server 0.00023; gnomAD 0.00153 and 0.00154; 1000 Genomes Project 0.00200; ExAC 0.00249.
gnomAD v4.1: 1,304 of 1,614,220 alleles (0.081%); highest among the groups gnomAD compares: Admixed American, 2%; 20 homozygotes.

Submissions (21):

Labcorp Genetics (formerly Invitae), Labcorp
Classification: Benign for Familial adenomatous polyposis 2. Last evaluated: 2026-02-04. Review status: criteria provided, single submitter. Criteria: Invitae Variant Classification Sherloc (09022015). Collection method: clinical testing. Allele origin: germline.

Center for Genomic Medicine, Rigshospitalet, Copenhagen University Hospital
Classification: Benign. Last evaluated: 2025-12-29. Review status: criteria provided, single submitter. Criteria: ACMG Guidelines, 2015. Collection method: clinical testing. Allele origin: germline.
Comment: Classification criteria: BA1

Dasa
Classification: Benign. Last evaluated: 2025-11-10. Review status: criteria provided, single submitter. Criteria: DASA Assertion Criteria. Collection method: clinical testing. Allele origin: germline.
Comment: NM_001048174.2(MUTYH):c.1501C>A (p.Leu501Met) is a missense variant that results in the substitution of leucine with methionine. Population frequency is inconsistent with a disease-causing role for this variant, and observations in unaffected individuals support a benign interpretation. Therefore, based on the currently available evidence, this variant is classified as benign.

ARUP Laboratories, Molecular Genetics and Genomics, ARUP Laboratories
Classification: Benign. Last evaluated: 2025-06-27. Review status: criteria provided, single submitter. Criteria: ARUP Molecular Germline Variant Investigation Process 2024. Collection method: clinical testing. Allele origin: germline.

Institute for Biomarker Research, Medical Diagnostic Laboratories, L.L.C.
Classification: Benign for Hereditary cancer-predisposing syndrome. Last evaluated: 2024-07-09. Review status: criteria provided, single submitter. Criteria: ACMG Guidelines, 2015. Collection method: clinical testing. Allele origin: germline.

Quest Diagnostics Nichols Institute San Juan Capistrano
Classification: Benign. Last evaluated: 2022-08-17. Review status: criteria provided, single submitter. Criteria: Quest Diagnostics criteria. Collection method: clinical testing. Allele origin: unknown.

Fulgent Genetics
Classification: Likely benign for Familial adenomatous polyposis 2; Gastric cancer. Last evaluated: 2021-11-11. Review status: criteria provided, single submitter. Criteria: ACMG Guidelines, 2015. Collection method: clinical testing. Allele origin: unknown.

GeneDx
Classification: Likely benign. Last evaluated: 2021-07-29. Review status: criteria provided, single submitter. Criteria: GeneDx Variant Classification Process June 2021. Collection method: clinical testing. Allele origin: germline. Affected: yes.
Comment: This variant is associated with the following publications: (PMID: 24728327, 21167187, 25820570, 22703879, 21153778, 28944238)

Mendelics
Classification: Likely benign for Familial adenomatous polyposis 2. Last evaluated: 2019-05-28. Review status: criteria provided, single submitter. Criteria: Mendelics Assertion Criteria 2017. Collection method: clinical testing. Allele origin: unknown.

Department of Pathology and Laboratory Medicine, Sinai Health System
Classification: Likely benign for Familial adenomatous polyposis 2. Last evaluated: 2019-04-01. Review status: criteria provided, single submitter. Criteria: ACMG Guidelines, 2015. Collection method: research. Allele origin: germline.

Ambry Genetics
Classification: Benign for Hereditary cancer-predisposing syndrome. Last evaluated: 2018-11-07. Review status: criteria provided, single submitter. Criteria: Ambry Variant Classification Scheme 2023. Collection method: clinical testing. Allele origin: germline.

Illumina Laboratory Services, Illumina
Classification: Likely benign for Familial adenomatous polyposis 2. Last evaluated: 2018-01-12. Review status: criteria provided, single submitter. Criteria: ICSL Variant Classification Criteria 13 December 2019. Collection method: clinical testing. Allele origin: germline.
Comment: This variant was observed in the ICSL laboratory as part of a predisposition screen in an ostensibly healthy population. It had not been previously curated by ICSL or reported in the Human Gene Mutation Database (HGMD: prior to June 1st, 2018), and was therefore a candidate for classification through an automated scoring system. Utilizing variant allele frequency, disease prevalence and penetrance estimates, and inheritance mode, an automated score was calculated to assess if this variant is too frequent to cause the disease. Based on the score and internal cut-off values, a variant classified as likely benign is not then subjected to further curation. The score for this variant resulted in a classification of likely benign for this disease.

PreventionGenetics, part of Exact Sciences
Classification: Benign. Last evaluated: 2016-12-30. Review status: criteria provided, single submitter. Criteria: ACMG Guidelines, 2015. Collection method: clinical testing. Allele origin: germline.

Color Diagnostics, LLC DBA Color Health
Classification: Benign for Hereditary cancer-predisposing syndrome. Last evaluated: 2016-03-21. Review status: criteria provided, single submitter. Criteria: ACMG Guidelines, 2015. Collection method: clinical testing. Allele origin: germline.

Vantari Genetics
Classification: Benign for Hereditary cancer-predisposing syndrome. Last evaluated: 2016-01-22. Review status: criteria provided, single submitter. Criteria: ACMG Guidelines, 2015. Collection method: clinical testing. Allele origin: germline.

Breakthrough Genomics
Classification: Likely benign. Review status: criteria provided, single submitter. Criteria: ACMG Guidelines, 2015. Collection method: not provided. Allele origin: germline. Inheritance: Autosomal recessive inheritance. Affected: yes.

True Health Diagnostics
Classification: Likely benign for Hereditary cancer-predisposing syndrome. Last evaluated: 2018-02-28. Review status: no assertion criteria provided. Collection method: clinical testing. Allele origin: germline. Not counted in ClinVar's aggregate classification.

Pathway Genomics
Classification: Likely benign for Colorectal cancer. Last evaluated: 2014-12-15. Review status: no assertion criteria provided. Collection method: clinical testing. Allele origin: germline. Affected: yes. Observed: 1 variant allele. Not counted in ClinVar's aggregate classification.

ITMI
No classification provided. Condition: AllHighlyPenetrant. Last evaluated: 2013-09-19. Review status: no classification provided. Collection method: reference population. Allele origin: germline. Not counted in ClinVar's aggregate classification.
Comment: Please see associated publication for description of ethnicities

Biesecker Lab/Clinical Genomics Section, National Institutes of Health
Classification: Benign. Last evaluated: 2012-07-13. Review status: no assertion criteria provided. Collection method: research. Allele origin: germline. Affected: no. Observed: 2 variant alleles. Study: ClinSeq. Not counted in ClinVar's aggregate classification.
ClinVar note: Converted during submission from no known pathogenicity to Benign.

Department of Pathology and Laboratory Medicine, Sinai Health System
Classification: Benign for Carcinoma of colon. Review status: no assertion criteria provided. Collection method: clinical testing. Allele origin: unknown. Affected: yes. Study: The Canadian Open Genetics Repository (COGR). Not counted in ClinVar's aggregate classification.
Comment: The MUTYH p.Leu529Met variant was identified in the literature, although the frequency of this variant in an affected population was not provided. The variant was identified in dbSNP (rs3219496) as â€šÃ„Ãºwith other alleleâ€šÃ„Ã¹, ClinVar (classified as likely benign by Ambry Genetics, GeneDx, Pathway Genomics and 3 other submitters; and as benign by Invitae, Color, PreventionGenetics and 2 other submitters). The variant was not identified in UMD-LSDB. The variant was identified in control databases in 893 of 282,882 chromosomes (16 homozygous) at a frequency of 0.003, increasing the likelihood this could be a low frequency benign variant (Genome Aggregation Database Feb 27, 2017). The variant was observed in the following populations: Latino in 852 of 35,440 chromosomes (freq: 0.02), Other in 16 of 7226 chromosomes (freq: 0.002), African in 15 of 24,966 chromosomes (freq: 0.0006), East Asian in 3 of 19,954 chromosomes (freq: 0.0002), European in 6 of 129,186 chromosomes (freq: 0.00005), and South Asian in 1 of 30,616 chromosomes (freq: 0.00003); it was not observed in the Ashkenazi Jewish or Finnish populations. Site-directed mutagenesis experiments demonstrated that the variant did not alter the functional activity of MUTYH in E. coli cells (Komine 2015). The p.Leu529 residue is conserved in mammals and computational analyses (PolyPhen-2, SIFT, AlignGVGD, BLOSUM, MutationTaster) provide inconsistent predictions regarding the impact to the protein; this information is not very predictive of pathogenicity. The variant occurs outside of the splicing consensus sequence and in silico or computational prediction software programs (SpliceSiteFinder, MaxEntScan, NNSPLICE, GeneSplicer) do not predict a difference in splicing. In summary, based on the above information, this variant meets our laboratory's criteria to be classified as benign.

Literature cited by the submitters: PubMed 24728327 (cited by Quest Diagnostics Nichols Institute San Juan Capistrano and ITMI); PubMed 33471991 (cited by Quest Diagnostics Nichols Institute San Juan Capistrano); PubMed 21167187 (cited by Quest Diagnostics Nichols Institute San Juan Capistrano); PubMed 25820570 (cited by Quest Diagnostics Nichols Institute San Juan Capistrano and Ambry Genetics); Citation Link (cited by Pathway Genomics).

NM_001048174.2(MUTYH):c.1501C>A (p.Leu501Met)

Gene: MUTYH (mutY DNA glycosylase; minus strand). Cytogenetic location: 1p34.1.
Variant type: single nucleotide variant.
Coding change: c.1501C>A on transcript NM_001048174.2 (MANE Select); coding-DNA position 1501, C replaced by A.
Protein change: p.Leu501Met; replaces leucine 501 with methionine.
Molecular consequence: missense variant. On other transcripts: non-coding transcript variant (2).
Genome position (GRCh38, 1-based): chr1:45,329,371, G>T on the plus strand (C>A on the coding strand, the complement: MUTYH is on the minus strand). VCF-style: chr1-45329371-G-T. GRCh37 (hg19) VCF-style: chr1-45795043-G-T.
Other names: p.L529M:CTG>ATG; c.1501C>A, p.Leu501Met (NM_001048171.2, NM_001048173.2, NM_001293195.2); c.1504C>A, p.Leu502Met (NM_001048172.2); c.1585C>A, p.Leu529Met (NM_001128425.2); c.1546C>A, p.Leu516Met (NM_001293190.2); c.1534C>A, p.Leu512Met (NM_001293191.2); c.1225C>A, p.Leu409Met (NM_001293192.2, NM_001293196.2); c.1156C>A, p.Leu386Met (NM_001350650.2, NM_001350651.2); and 1 more; short protein forms L529M, L515M, L526M, L501M, L512M, L516M, L386M, L409M.
Identifiers: ClinVar variation 41756 (VCV000041756.45), dbSNP rs3219496, ClinGen allele CA011679.